The following is an entry in ClinVar:

NM_015910.7(WDPCP):c.259_271del (p.Asp87fs)

Gene: WDPCP (WD repeat containing planar cell polarity effector; minus strand). Cytogenetic location: 2p15.
Variant type: Deletion.
Coding change: c.259_271del on transcript NM_015910.7 (MANE Select); coding-DNA positions 259 to 271, 13 bases deleted (GATTATCCTTGGA).
Protein change: p.Asp87fs; shifts the reading frame from aspartic acid 87.
Molecular consequence: frameshift variant. On other transcripts: non-coding transcript variant (2).
Genome position (GRCh38, 1-based): chr2:63,484,970-63,484,982, TCCAAGGATAATC deleted on the plus strand (GATTATCCTTGGA on the coding strand, the reverse complement: WDPCP is on the minus strand); deleting any 13 consecutive bases within chr2:63,484,970-63,484,984 gives the same sequence; the c. name uses the placement nearest the transcript's 3' end. VCF-style (leftmost placement, unchanged base first): chr2-63484969-GTCCAAGGATAATC-G. GRCh37 (hg19) VCF-style: chr2-63712103-GTCCAAGGATAATC-G.
Other names: c.187_199del, p.Asp63fs (NM_001354044.2); c.259_271del, p.Asp87fs (NM_001354045.2); short protein forms D87fs, D63fs.
Identifiers: ClinVar variation 5006316 (VCV005006316.2).
Genomic context (GRCh38, chr2:63,484,969, plus strand): 5'-AAAGATACCTCCAACTCTTTGAGCGAGTCTCGGAGTTTTTCTGGGCGTCTGTTTTTGAGC[GTCCAAGGATAATC>G]TCGTGCTGGCAAATAAAACATGTACTACAGTTAGTTAAACAAGATTTAAAAAGGAAATTC-3'

ClinVar aggregate classification (germline): Likely pathogenic (1 of 4 stars; one submission).

Conditions:
Heart defect - tongue hamartoma - polysyndactyly syndrome. Also called: Congenital heart defects, hamartomas of tongue, and polysyndactyly. Identifiers: Orphanet 1338, MedGen C1857587, MONDO:0009008, OMIM 217085.
Bardet-Biedl syndrome 15 (BBS15). Identifiers: Orphanet 110, MedGen C3150127, MONDO:0014443, OMIM 615992.

Submission:

Juno Genomics, Hangzhou Juno Genomics, Inc
Classification: Likely pathogenic for Bardet-Biedl syndrome 15; Heart defect - tongue hamartoma - polysyndactyly syndrome. Review status: criteria provided, single submitter. Criteria: ACMG Guidelines, 2015. Collection method: clinical testing. Allele origin: germline.
Comment: Null variant in a gene where loss of function (LOF) is a known mechanism of disease.;Absent from controls (or at extremely low frequency if recessive) in Genome Aggregation Database.